The following is an entry in ClinVar:

ClinVar aggregate classification (germline): Benign/Likely benign. Review status: criteria provided, multiple submitters, no conflicts (2 of 4 stars). 6 submissions from 6 submitters: Benign (3); Likely benign (1). 2 of the submissions do not count toward it. Last evaluated 2026-02-01.

Conditions:
Long QT syndrome (LQTS). Identifiers: MedGen C0023976, MeSH D008133, MONDO:0002442. Disease mechanism: loss of function. Inheritance: Various modes of inheritance.

Allele frequency attached by ClinVar (database versions not stated): ESP Exome Variant Server 0.00046; gnomAD 0.00049 and 0.00052; TOPMed 0.00049.
gnomAD v4.1: 717 of 1,535,126 alleles (0.047%); highest among the groups gnomAD compares: Admixed American, 0.055%; 1 homozygote.

Submissions (6):

Labcorp Genetics (formerly Invitae), Labcorp
Classification: Benign for Long QT syndrome. Last evaluated: 2026-02-01. Review status: criteria provided, single submitter. Criteria: Invitae Variant Classification Sherloc (09022015). Collection method: clinical testing. Allele origin: germline.

Blueprint Genetics
Classification: Likely benign. Last evaluated: 2024-10-08. Review status: criteria provided, single submitter. Criteria: ACMG Guidelines, 2015. Collection method: clinical testing. Allele origin: germline.

Women's Health and Genetics/Laboratory Corporation of America, LabCorp
Classification: Benign. Last evaluated: 2019-08-12. Review status: criteria provided, single submitter. Criteria: LabCorp Variant Classification Summary - May 2015. Collection method: clinical testing. Allele origin: germline.
Comment: Variant summary: CACNA1C c.3156+17G>A alters a non-conserved nucleotide located close to a canonical splice site and therefore could affect mRNA splicing, leading to a significantly altered protein sequence. 5/5 computational tools predict no significant impact on normal splicing. However, these predictions have yet to be confirmed by functional studies. The variant allele was found at a frequency of 0.00039 in 251194 control chromosomes, predominantly at a frequency of 0.00056 within the Non-Finnish European subpopulation in the gnomAD database. The observed variant frequency within Non-Finnish European control individuals in the gnomAD database is approximately 56-folds higher than the estimated maximal expected allele frequency for a pathogenic variant in CACNA1C causing Arrhythmia phenotype (1e-05), strongly suggesting that the variant is a benign polymorphism found primarily in populations of Non-Finnish European origin. To our knowledge, no occurrence of c.3156+17G>A in individuals affected with Arrhythmia and no experimental evidence demonstrating its impact on protein function have been reported. No clinical diagnostic laboratories have submitted clinical-significance assessments for this variant to ClinVar after 2014. Based on the evidence outlined above, the variant was classified as benign.

GeneDx
Classification: Benign. Last evaluated: 2015-03-03. Review status: criteria provided, single submitter. Criteria: GeneDx Variant Classification Process June 2021. Collection method: clinical testing. Allele origin: germline. Affected: yes.

Clinical Genetics, Academic Medical Center
Classification: Benign. Review status: no assertion criteria provided. Collection method: clinical testing. Allele origin: germline. Affected: yes. Study: VKGL Data-share Consensus. Not counted in ClinVar's aggregate classification.

Joint Genome Diagnostic Labs from Nijmegen and Maastricht, Radboudumc and MUMC+
Classification: Likely benign. Review status: no assertion criteria provided. Collection method: clinical testing. Allele origin: germline. Affected: yes. Study: VKGL Data-share Consensus. Not counted in ClinVar's aggregate classification.

NM_000719.7(CACNA1C):c.3156+17G>A

Gene: CACNA1C (calcium voltage-gated channel subunit alpha1 C; plus strand). Cytogenetic location: 12p13.33.
Variant type: single nucleotide variant.
Coding change: c.3156+17G>A on transcript NM_000719.7 (MANE Select); 17 bases into the intron after coding-DNA position 3156, G replaced by A.
Molecular consequence: intron variant.
Genome position (GRCh38, 1-based): chr12:2,605,803, G>A. VCF-style: chr12-2605803-G-A. GRCh37 (hg19) VCF-style: chr12-2714969-G-A.
Other names: c.3156+17G>A (NM_001167624.3, NM_001167623.2, NM_001167625.2 and 15 more transcripts); c.3216+17G>A (NM_199460.4, NM_001129827.2, NM_001129832.2); c.3147+17G>A (NM_001129844.2).
Identifiers: ClinVar variation 929087 (VCV000929087.15), dbSNP rs201709484, ClinGen allele CA6389157.